The following is an entry in ClinVar:

NM_015335.5(MED13L):c.6263A>C (p.Glu2088Ala)

Gene: MED13L (mediator complex subunit 13L; minus strand). Cytogenetic location: 12q24.21.
Variant type: single nucleotide variant.
Coding change: c.6263A>C on transcript NM_015335.5 (MANE Select); coding-DNA position 6263, A replaced by C.
Protein change: p.Glu2088Ala; replaces glutamic acid 2088 with alanine.
Molecular consequence: missense variant.
Genome position (GRCh38, 1-based): chr12:115,966,206, T>G on the plus strand (A>C on the coding strand, the complement: MED13L is on the minus strand). VCF-style: chr12-115966206-T-G. GRCh37 (hg19) VCF-style: chr12-116404011-T-G.
Other names: short protein forms E2088A.
Identifiers: ClinVar variation 3389241 (VCV003389241.14).

ClinVar aggregate classification (germline): Uncertain significance (1 of 4 stars; one submission).

Submission:

CeGaT Center for Human Genetics Tuebingen
Classification: Uncertain significance. Last evaluated: 2024-11-01. Review status: criteria provided, single submitter. Criteria: CeGaT Center For Human Genetics Tuebingen Variant Classification Criteria Version 2. Collection method: clinical testing. Allele origin: germline. Affected: yes. Observed: 1 variant allele.
Comment: MED13L: PM2, PP2, PS2:Supporting